The following is an entry in ClinVar:

ClinVar aggregate classification (germline): Likely benign. Review status: criteria provided, multiple submitters, no conflicts (2 of 4 stars). 3 submissions from 3 submitters: Likely benign (3). Last evaluated 2026-01-01.

Allele frequency attached by ClinVar (database versions not stated): ESP Exome Variant Server 0.00023; 1000 Genomes Project 30x 0.00031; 1000 Genomes Project 0.00040; gnomAD 0.00042 and 0.00045; TOPMed 0.00050.
gnomAD v4.1: 793 of 1,614,050 alleles (0.049%); highest among the groups gnomAD compares: Middle Eastern, 0.23%; 2 homozygotes.

Submissions (3):

Labcorp Genetics (formerly Invitae), Labcorp
Classification: Likely benign. Last evaluated: 2026-01-01. Review status: criteria provided, single submitter. Criteria: Invitae Variant Classification Sherloc (09022015). Collection method: clinical testing. Allele origin: germline.

CeGaT Center for Human Genetics Tuebingen
Classification: Likely benign. Last evaluated: 2025-12-01. Review status: criteria provided, single submitter. Criteria: CeGaT Center For Human Genetics Tuebingen Variant Classification Criteria Version 2. Collection method: clinical testing. Allele origin: germline. Affected: yes. Observed: 2 variant alleles.
Comment: IGSF10: BP4, BP7

Breakthrough Genomics
Classification: Likely benign. Review status: criteria provided, single submitter. Criteria: ACMG Guidelines, 2015. Collection method: not provided. Allele origin: germline. Inheritance: Unknown mechanism. Affected: yes.

NM_178822.5(IGSF10):c.2427G>A (p.Pro809=)

Gene: IGSF10 (immunoglobulin superfamily member 10; minus strand). Cytogenetic location: 3q25.1.
Variant type: single nucleotide variant.
Coding change: c.2427G>A on transcript NM_178822.5 (MANE Select); coding-DNA position 2427, G replaced by A.
Protein change: p.Pro809=; no amino-acid change (proline 809 retained).
Molecular consequence: synonymous variant.
Genome position (GRCh38, 1-based): chr3:151,447,554, C>T on the plus strand (G>A on the coding strand, the complement: IGSF10 is on the minus strand). VCF-style: chr3-151447554-C-T. GRCh37 (hg19) VCF-style: chr3-151165342-C-T.
Other names: c.2427G>A, p.Pro809= (NM_001385060.1, NM_001385061.1, NM_001385062.1 and 1 more transcripts).
Identifiers: ClinVar variation 1444882 (VCV001444882.32), dbSNP rs142039752, ClinGen allele CA2670344.
Genomic context (GRCh38, chr3:151,447,554, plus strand): 5'-AGATATTGTTCTGGAGTCAGCAGTCACTGTCCTTGCTGGAAGGTTCAAAGCTTTAGTGGC[C>T]GGGACCATAAATTCCTCATGTAGAGCGAGCATGCCTGAGGAATCGTCTTCTTCACCAGGT-3'
Protein context (NP_849144.2, residues 799-819): MLALHEEFMV[Pro809=]ATKALNLPAR